The following is an entry in ClinVar:

ClinVar aggregate classification (germline): Benign. Review status: criteria provided, multiple submitters, no conflicts (2 of 4 stars). 5 submissions from 5 submitters: Benign (3). 2 of the submissions do not count toward it. Last evaluated 2026-08-01.

Allele frequency attached by ClinVar (database versions not stated): 1000 Genomes Project 30x 0.00297; 1000 Genomes Project 0.00319; ESP Exome Variant Server 0.00700; TOPMed 0.00707; gnomAD 0.00760 and 0.00772; ExAC 0.00791; gnomAD exomes 0.00798 and 0.01008.
gnomAD v4.1: 15,697 of 1,603,320 alleles (0.98%); highest among the groups gnomAD compares: Non-Finnish European, 1.1%; 102 homozygotes.

Submissions (5):

CeGaT Center for Human Genetics Tuebingen
Classification: Benign. Last evaluated: 2026-08-01. Review status: criteria provided, single submitter. Criteria: CeGaT Center For Human Genetics Tuebingen Variant Classification Criteria Version 2. Collection method: clinical testing. Allele origin: germline. Affected: yes. Observed: 4 variant alleles.
Comment: IFRD1: BP4, BP7, BS1, BS2

Labcorp Genetics (formerly Invitae), Labcorp
Classification: Benign. Last evaluated: 2019-12-31. Review status: criteria provided, single submitter. Criteria: Invitae Variant Classification Sherloc (09022015). Collection method: clinical testing. Allele origin: germline.

Breakthrough Genomics
Classification: Benign. Review status: criteria provided, single submitter. Criteria: ACMG Guidelines, 2015. Collection method: not provided. Allele origin: germline. Inheritance: Unknown mechanism. Affected: yes.

Clinical Genetics DNA and cytogenetics Diagnostics Lab, Erasmus MC, Erasmus Medical Center
Classification: Likely benign. Review status: no assertion criteria provided. Collection method: clinical testing. Allele origin: germline. Affected: yes. Study: VKGL Data-share Consensus. Not counted in ClinVar's aggregate classification.

Clinical Genetics, Academic Medical Center
Classification: Benign. Review status: no assertion criteria provided. Collection method: clinical testing. Allele origin: germline. Affected: yes. Study: VKGL Data-share Consensus. Not counted in ClinVar's aggregate classification.

NM_001550.4(IFRD1):c.213T>A (p.Leu71=)

Gene: IFRD1 (interferon related developmental regulator 1; plus strand). Cytogenetic location: 7q31.1.
Variant type: single nucleotide variant.
Coding change: c.213T>A on transcript NM_001550.4 (MANE Select); coding-DNA position 213, T replaced by A.
Protein change: p.Leu71=; no amino-acid change (leucine 71 retained).
Molecular consequence: synonymous variant. On other transcripts: non-coding transcript variant (1).
Genome position (GRCh38, 1-based): chr7:112,456,015, T>A. VCF-style: chr7-112456015-T-A. GRCh37 (hg19) VCF-style: chr7-112096070-T-A.
Other names: c.213T>A, p.Leu71= (NM_001007245.3); c.63T>A, p.Leu21= (NM_001197079.2, NM_001197080.2).
Identifiers: ClinVar variation 774663 (VCV000774663.33), dbSNP rs117086064, ClinGen allele CA4443524.